The following is an entry in ClinVar:

NM_000368.5(TSC1):c.932del (p.Pro311fs)

Gene: TSC1 (TSC complex subunit 1; minus strand). Cytogenetic location: 9q34.13.
Variant type: Deletion.
Coding change: c.932del on transcript NM_000368.5 (MANE Select); coding-DNA position 932, one base deleted (C; older notation c.932delC).
Protein change: p.Pro311fs; shifts the reading frame from proline 311.
Molecular consequence: frameshift variant.
Genome position (GRCh38, 1-based): chr9:132,911,550, G deleted on the plus strand (C on the coding strand, the reverse complement: TSC1 is on the minus strand); the first of 4 consecutive G bases (chr9:132,911,550-132,911,553); deleting any one gives the same sequence. VCF-style (leftmost placement, unchanged base first): chr9-132911549-AG-A. GRCh37 (hg19) VCF-style: chr9-135786936-AG-A.
Other names: c.932del, p.Pro311fs (NM_001162426.2); c.779del, p.Pro260fs (NM_001162427.2); c.569del, p.Pro190fs (NM_001362177.2); c.929delC, p.Pro311Leufs (NM_001406592.1, NM_001406593.1, NM_001406594.1 and 15 more transcripts); c.776delC, p.Pro260Leufs (NM_001406610.1, NM_001406611.1, NM_001406612.1 and 1 more transcripts); c.566delC, p.Pro190Leufs (NM_001406614.1, NM_001406615.1, NM_001406616.1 and 9 more transcripts); c.-23delC (NM_001406626.1, NM_001406627.1, NM_001406628.1); c.-165delC (NM_001406629.1, NM_001406630.1); short protein forms P190fs, P311fs, P260fs.
Identifiers: ClinVar variation 2058443 (VCV002058443.4), dbSNP rs2538871513, ClinGen allele CA2580079997.

ClinVar aggregate classification (germline): Pathogenic (1 of 4 stars; one submission).

Conditions:
Tuberous sclerosis 1 (TSC1). Identifiers: Orphanet 805, MedGen C1854465, MONDO:0008612, OMIM 191100.

Submission:

Labcorp Genetics (formerly Invitae), Labcorp
Classification: Pathogenic for Tuberous sclerosis 1. Last evaluated: 2021-12-24. Review status: criteria provided, single submitter. Criteria: Invitae Variant Classification Sherloc (09022015). Collection method: clinical testing. Allele origin: germline.
Comment: For these reasons, this variant has been classified as Pathogenic. This variant has not been reported in the literature in individuals affected with TSC1-related conditions. This variant is not present in population databases (gnomAD no frequency). This sequence change creates a premature translational stop signal (p.Pro311Leufs*7) in the TSC1 gene. It is expected to result in an absent or disrupted protein product. Loss-of-function variants in TSC1 are known to be pathogenic (PMID: 10227394, 17304050).

Literature cited by the submitters: PubMed 10227394; PubMed 17304050.